The following is an entry in ClinVar:

ClinVar aggregate classification (germline): Uncertain significance (1 of 4 stars; one submission).

Submission:

Labcorp Genetics (formerly Invitae), Labcorp
Classification: Uncertain significance. Last evaluated: 2023-04-18. Review status: criteria provided, single submitter. Criteria: Invitae Variant Classification Sherloc (09022015). Collection method: clinical testing. Allele origin: germline.
Comment: In summary, the available evidence is currently insufficient to determine the role of this variant in disease. Therefore, it has been classified as a Variant of Uncertain Significance. This variant is not present in population databases (gnomAD no frequency). This sequence change replaces leucine, which is neutral and non-polar, with serine, which is neutral and polar, at codon 580 of the KCNQ5 protein (p.Leu580Ser). Advanced modeling of protein sequence and biophysical properties (such as structural, functional, and spatial information, amino acid conservation, physicochemical variation, residue mobility, and thermodynamic stability) performed at Invitae indicates that this missense variant is expected to disrupt KCNQ5 protein function. This variant has not been reported in the literature in individuals affected with KCNQ5-related conditions.

NM_019842.4(KCNQ5):c.1682T>C (p.Leu561Ser)

Gene: KCNQ5 (potassium voltage-gated channel subfamily Q member 5; plus strand). Cytogenetic location: 6q13.
Variant type: single nucleotide variant.
Coding change: c.1682T>C on transcript NM_019842.4 (MANE Select); coding-DNA position 1682, T replaced by C.
Protein change: p.Leu561Ser; replaces leucine 561 with serine.
Molecular consequence: missense variant.
Genome position (GRCh38, 1-based): chr6:73,190,677, T>C. VCF-style: chr6-73190677-T-C. GRCh37 (hg19) VCF-style: chr6-73900400-T-C.
Other names: c.1655T>C, p.Leu552Ser (NM_001160130.2); c.1712T>C, p.Leu571Ser (NM_001160132.2); c.1739T>C, p.Leu580Ser (NM_001160133.2); c.1352T>C, p.Leu451Ser (NM_001160134.2); short protein forms L561S, L571S, L552S, L451S, L580S.
Identifiers: ClinVar variation 2853496 (VCV002853496.3), dbSNP rs2533919940, ClinGen allele CA364693304.